The following is an entry in ClinVar:

NM_001367561.1(DOCK7):c.1501C>T (p.Arg501Ter)

Gene: DOCK7 (dedicator of cytokinesis 7; minus strand). Cytogenetic location: 1p31.3.
Variant type: single nucleotide variant.
Coding change: c.1501C>T on transcript NM_001367561.1 (MANE Select); coding-DNA position 1501, C replaced by T.
Protein change: p.Arg501Ter; replaces arginine 501 with a stop codon.
Molecular consequence: nonsense.
Genome position (GRCh38, 1-based): chr1:62,619,918, G>A on the plus strand (C>T on the coding strand, the complement: DOCK7 is on the minus strand). VCF-style: chr1-62619918-G-A. GRCh37 (hg19) VCF-style: chr1-63085589-G-A.
Other names: c.1501C>T, p.Arg501Ter (NM_001271999.2, NM_001272000.2, NM_001272001.2 and 3 more transcripts); short protein forms R501*.
Identifiers: ClinVar variation 1073136 (VCV001073136.10), dbSNP rs1174717913, ClinGen allele CA340614184.

ClinVar aggregate classification (germline): Pathogenic (1 of 4 stars; one submission).

Conditions:
Developmental and epileptic encephalopathy, 23 (DEE23). Also called: Epileptic encephalopathy, early infantile, 23. Identifiers: Orphanet 411986, MedGen C4014492, MONDO:0014371, OMIM 615859.

Allele frequency attached by ClinVar (database versions not stated): gnomAD exomes below 0.00001; gnomAD 0.00001; TOPMed 0.00001.
gnomAD v4.1: 5 of 1,611,478 alleles (0.00031%); highest among the groups gnomAD compares: Non-Finnish European, 0.00042%; no homozygotes.

Submission:

Labcorp Genetics (formerly Invitae), Labcorp
Classification: Pathogenic for Developmental and epileptic encephalopathy, 23. Last evaluated: 2022-07-19. Review status: criteria provided, single submitter. Criteria: Invitae Variant Classification Sherloc (09022015). Collection method: clinical testing. Allele origin: germline.
Comment: This variant is not present in population databases (gnomAD no frequency). For these reasons, this variant has been classified as Pathogenic. Algorithms developed to predict the effect of sequence changes on RNA splicing suggest that this variant may create or strengthen a splice site. ClinVar contains an entry for this variant (Variation ID: 1073136). This variant has not been reported in the literature in individuals affected with DOCK7-related conditions. This sequence change creates a premature translational stop signal (p.Arg501*) in the DOCK7 gene. It is expected to result in an absent or disrupted protein product. Loss-of-function variants in DOCK7 are known to be pathogenic (PMID: 24814191).

Literature cited by the submitters: PubMed 24814191.